The following is an entry in ClinVar:

ClinVar aggregate classification (germline): Pathogenic (1 of 4 stars; one submission).

Conditions:
Fanconi anemia (FA). Also called: Fanconi's anemia. Identifiers: Orphanet 84, MedGen C0015625, MeSH D005199, MONDO:0019391.

Submission:

Labcorp Genetics (formerly Invitae), Labcorp
Classification: Pathogenic for Fanconi anemia. Last evaluated: 2023-12-10. Review status: criteria provided, single submitter. Criteria: Invitae Variant Classification Sherloc (09022015). Collection method: clinical testing. Allele origin: unknown.
Comment: This variant is a gross deletion of the genomic region encompassing exon(s) 11-14 of the FANCA gene. This deletion is out-of-frame, and is expected to create a premature termination codon and result in an absent or disrupted protein product. Loss-of-function variants in FANCA are known to be pathogenic (PMID: 19367192). A similar copy number variant has been observed in individual(s) with FANCA-related disease (PMID: 10094191, 24584348, 29098742). For these reasons, this variant has been classified as Pathogenic.

Literature cited by the submitters: PubMed 19367192; PubMed 10094191; PubMed 24584348; PubMed 29098742.

NC_000016.9:g.(?_89857791)_(89862446_?)del

Gene: FANCA (FA complementation group A; minus strand). Cytogenetic location: 16q24.3.
Variant type: Deletion.
Identifiers: ClinVar variation 3243241 (VCV003243241.1).